The following is an entry in ClinVar:

ClinVar aggregate classification (germline): Uncertain significance (1 of 4 stars; one submission).

Allele frequency attached by ClinVar (database versions not stated): ExAC 0.00003; gnomAD exomes 0.00003; TOPMed 0.00003; gnomAD 0.00004; ESP Exome Variant Server 0.00008.

Submission:

Labcorp Genetics (formerly Invitae), Labcorp
Classification: Uncertain significance. Last evaluated: 2023-12-17. Review status: criteria provided, single submitter. Criteria: Invitae Variant Classification Sherloc (09022015). Collection method: clinical testing. Allele origin: germline.
Comment: This sequence change replaces alanine, which is neutral and non-polar, with threonine, which is neutral and polar, at codon 399 of the ANK1 protein (p.Ala399Thr). This variant is present in population databases (rs376581087, gnomAD 0.01%). This variant has not been reported in the literature in individuals affected with ANK1-related conditions. Advanced modeling of protein sequence and biophysical properties (such as structural, functional, and spatial information, amino acid conservation, physicochemical variation, residue mobility, and thermodynamic stability) performed at Invitae indicates that this missense variant is not expected to disrupt ANK1 protein function with a negative predictive value of 80%. In summary, the available evidence is currently insufficient to determine the role of this variant in disease. Therefore, it has been classified as a Variant of Uncertain Significance.

NM_000037.4(ANK1):c.1195G>A (p.Ala399Thr)

Gene: ANK1 (ankyrin 1; minus strand). Cytogenetic location: 8p11.21.
Variant type: single nucleotide variant.
Coding change: c.1195G>A on transcript NM_000037.4 (MANE Select); coding-DNA position 1195, G replaced by A.
Protein change: p.Ala399Thr; replaces alanine 399 with threonine.
Molecular consequence: missense variant.
Genome position (GRCh38, 1-based): chr8:41,718,117, C>T on the plus strand (G>A on the coding strand, the complement: ANK1 is on the minus strand). VCF-style: chr8-41718117-C-T. GRCh37 (hg19) VCF-style: chr8-41575635-C-T.
Other names: c.1294G>A, p.Ala432Thr (NM_001142446.2); c.1195G>A, p.Ala399Thr (NM_020475.3, NM_020476.3, NM_020477.3); short protein forms A432T, A399T.
Identifiers: ClinVar variation 3015402 (VCV003015402.3), dbSNP rs376581087, ClinGen allele CA4728705.